The following is an entry in ClinVar:

NM_004655.4(AXIN2):c.957-7C>T

Gene: AXIN2 (axin 2; minus strand). Cytogenetic location: 17q24.1.
Variant type: single nucleotide variant.
Coding change: c.957-7C>T on transcript NM_004655.4 (MANE Select); 7 bases into the intron before coding-DNA position 957, C replaced by T.
Molecular consequence: intron variant.
Genome position (GRCh38, 1-based): chr17:65,541,564, G>A on the plus strand (C>T on the coding strand, the complement: AXIN2 is on the minus strand). VCF-style: chr17-65541564-G-A. GRCh37 (hg19) VCF-style: chr17-63537682-G-A.
Other names: c.957-7C>T (NM_001363813.1).
Identifiers: ClinVar variation 1134235 (VCV001134235.10), dbSNP rs2044043955, ClinGen allele CA985564073.
Genomic context (GRCh38, chr17:65,541,564, plus strand): 5'-ATTTCTCTCTGGAGCTGTTTCTTACTGCCCACACGATAAGGAGGAATTCCATCTCTAAGG[G>A]AAAGGAAAAGACAGAATCCACAGGCTTACGAGGATGTTTTCAGCACATCACATGGGCTAC-3'

ClinVar aggregate classification (germline): Likely benign. Review status: criteria provided, multiple submitters, no conflicts (2 of 4 stars). 2 submissions from 2 submitters: Likely benign (2). Last evaluated 2024-06-28.

Conditions:
Oligodontia-cancer predisposition syndrome. Also called: TOOTH AGENESIS-COLORECTAL CANCER SYNDROME. Identifiers: Orphanet 300576, MedGen C1837750, MONDO:0012075, OMIM 608615. Disease mechanism: loss of function.

Allele frequency attached by ClinVar (database versions not stated): TOPMed below 0.00001; gnomAD 0.00001.
gnomAD v4.1: 4 of 1,607,704 alleles (0.00025%); highest among the groups gnomAD compares: Non-Finnish European, 0.00034%; no homozygotes.

Submissions (2):

Myriad Genetics, Inc.
Classification: Likely benign for Oligodontia-cancer predisposition syndrome. Last evaluated: 2024-06-28. Review status: criteria provided, single submitter. Criteria: Myriad Autosomal Dominant, Autosomal Recessive and X-Linked Classification Criteria (2023). Collection method: clinical testing. Allele origin: unknown.
Comment: This variant is considered likely benign. This variant is intronic and is not expected to impact mRNA splicing.

Labcorp Genetics (formerly Invitae), Labcorp
Classification: Likely benign for Oligodontia-cancer predisposition syndrome. Last evaluated: 2022-06-22. Review status: criteria provided, single submitter. Criteria: Invitae Variant Classification Sherloc (09022015). Collection method: clinical testing. Allele origin: germline.